The following is an entry in ClinVar:

ClinVar aggregate classification (germline): Uncertain significance (1 of 4 stars; one submission).

Conditions:
Arrhythmogenic right ventricular dysplasia 12. Also called: ARRHYTHMOGENIC RIGHT VENTRICULAR DYSPLASIA, FAMILIAL, 12. Identifiers: MedGen C1969081, MONDO:0012684, OMIM 611528.
Naxos disease (NXD). Also called: KERATOSIS PALMOPLANTARIS WITH ARRHYTHMOGENIC CARDIOMYOPATHY; MAL DE NAXOS; PALMOPLANTAR KERATODERMA WITH ARRHYTHMOGENIC RIGHT VENTRICULAR CARDIOMYOPATHY AND WOOLLY HAIR; WOOLLY HAIR, PALMOPLANTAR KERATODERMA, AND CARDIAC ABNORMALITIES; CARDIOMYOPATHY, ARRHYTHMOGENIC RIGHT VENTRICULAR, WITH SKIN, HAIR, AND NAIL ABNORMALITIES. Identifiers: Orphanet 34217, MedGen C1832600, MONDO:0011017, OMIM 601214.

Allele frequency attached by ClinVar (database versions not stated): gnomAD exomes below 0.00001.
gnomAD v4.1: 1 of 1,599,260 alleles (0.000063%); highest among the groups gnomAD compares: Non-Finnish European, 0.000085%; no homozygotes.

Submission:

Labcorp Genetics (formerly Invitae), Labcorp
Classification: Uncertain significance for Arrhythmogenic right ventricular dysplasia 12; Naxos disease. Last evaluated: 2025-07-27. Review status: criteria provided, single submitter. Criteria: Invitae Variant Classification Sherloc (09022015). Collection method: clinical testing. Allele origin: germline.
Comment: This sequence change falls in intron 9 of the JUP gene. It does not directly change the encoded amino acid sequence of the JUP protein. It affects a nucleotide within the consensus splice site. This variant is not present in population databases (gnomAD no frequency). This variant has not been reported in the literature in individuals affected with JUP-related conditions. ClinVar contains an entry for this variant (Variation ID: 2923837). Variants that disrupt the consensus splice site are a relatively common cause of aberrant splicing (PMID: 17576681, 9536098). Algorithms developed to predict the effect of sequence changes on RNA splicing suggest that this variant is not likely to affect RNA splicing. In summary, the available evidence is currently insufficient to determine the role of this variant in disease. Therefore, it has been classified as a Variant of Uncertain Significance.

Literature cited by the submitters: PubMed 17576681; PubMed 9536098.

NM_002230.4(JUP):c.1653+4T>A

Gene: JUP (junction plakoglobin; minus strand). Cytogenetic location: 17q21.2.
Variant type: single nucleotide variant.
Coding change: c.1653+4T>A on transcript NM_002230.4 (MANE Select); 4 bases into the intron after coding-DNA position 1653, T replaced by A.
Molecular consequence: intron variant.
Genome position (GRCh38, 1-based): chr17:41,758,711, A>T on the plus strand (T>A on the coding strand, the complement: JUP is on the minus strand). VCF-style: chr17-41758711-A-T. GRCh37 (hg19) VCF-style: chr17-39914963-A-T.
Other names: c.1653+4T>A (NM_001352774.2, NM_021991.4, NM_001352776.2 and 3 more transcripts).
Identifiers: ClinVar variation 2923837 (VCV002923837.3), dbSNP rs941164072, ClinGen allele CA290696199.